The following is an entry in ClinVar:

ClinVar aggregate classification (germline): Uncertain significance (1 of 4 stars; one submission).

Submission:

Labcorp Genetics (formerly Invitae), Labcorp
Classification: Uncertain significance. Last evaluated: 2024-04-16. Review status: criteria provided, single submitter. Criteria: Invitae Variant Classification Sherloc (09022015). Collection method: clinical testing. Allele origin: germline.
Comment: This sequence change falls in intron 12 of the STAT4 gene. It does not directly change the encoded amino acid sequence of the STAT4 protein. This variant is not present in population databases (gnomAD no frequency). This variant has not been reported in the literature in individuals affected with STAT4-related conditions. Algorithms developed to predict the effect of sequence changes on RNA splicing suggest that this variant may disrupt the consensus splice site. In summary, the available evidence is currently insufficient to determine the role of this variant in disease. Therefore, it has been classified as a Variant of Uncertain Significance.

NM_003151.4(STAT4):c.1113-11T>G

Gene: STAT4 (signal transducer and activator of transcription 4; minus strand). Cytogenetic location: 2q32.2.
Variant type: single nucleotide variant.
Coding change: c.1113-11T>G on transcript NM_003151.4 (MANE Select); 11 bases into the intron before coding-DNA position 1113, T replaced by G.
Molecular consequence: intron variant.
Genome position (GRCh38, 1-based): chr2:191,058,122, A>C on the plus strand (T>G on the coding strand, the complement: STAT4 is on the minus strand). VCF-style: chr2-191058122-A-C. GRCh37 (hg19) VCF-style: chr2-191922848-A-C.
Other names: c.1113-11T>G (NM_001243835.2).
Identifiers: ClinVar variation 3649495 (VCV003649495.2).